The following is an entry in ClinVar:

ClinVar aggregate classification (germline): Benign. Review status: criteria provided, multiple submitters, no conflicts (2 of 4 stars). 2 submissions from 2 submitters: Benign (2). Last evaluated 2018-05-01.

Allele frequency attached by ClinVar (database versions not stated): gnomAD exomes 0.05301 and 0.07254; ESP Exome Variant Server 0.07266; ExAC 0.07362; gnomAD 0.07995 and 0.08146; TOPMed 0.08695; 1000 Genomes Project 0.12380; 1000 Genomes Project 30x 0.12430.
gnomAD v4.1: 90,234 of 1,613,580 alleles (5.6%); highest among the groups gnomAD compares: East Asian, 18%; 3,496 homozygotes.

Submissions (2):

GeneDx
Classification: Benign. Last evaluated: 2018-05-01. Review status: criteria provided, single submitter. Criteria: GeneDx Variant Classification (06012015). Collection method: clinical testing. Allele origin: germline. Affected: yes.
Comment: This variant is considered likely benign or benign based on one or more of the following criteria: it is a conservative change, it occurs at a poorly conserved position in the protein, it is predicted to be benign by multiple in silico algorithms, and/or has population frequency not consistent with disease.

Breakthrough Genomics
Classification: Benign. Review status: criteria provided, single submitter. Criteria: ACMG Guidelines, 2015. Collection method: not provided. Allele origin: germline. Inheritance: Unknown mechanism. Affected: yes.

NM_014359.4(OPTC):c.803T>C (p.Leu268Pro)

Gene: OPTC (opticin; plus strand). Cytogenetic location: 1q32.1.
Variant type: single nucleotide variant.
Coding change: c.803T>C on transcript NM_014359.4 (MANE Select); coding-DNA position 803, T replaced by C.
Protein change: p.Leu268Pro; replaces leucine 268 with proline.
Molecular consequence: missense variant.
Genome position (GRCh38, 1-based): chr1:203,502,984, T>C. VCF-style: chr1-203502984-T-C. GRCh37 (hg19) VCF-style: chr1-203472112-T-C.
Other names: short protein forms L268P.
Identifiers: ClinVar variation 677222 (VCV000677222.2), dbSNP rs79523790, ClinGen allele CA1341180.